The following is an entry in ClinVar:

ClinVar aggregate classification (germline): Uncertain significance. Review status: criteria provided, multiple submitters, no conflicts (2 of 4 stars). 4 submissions from 4 submitters: Uncertain significance (4). Last evaluated 2026-02-11.

Conditions:
Hypertrophic cardiomyopathy 14. Identifiers: MedGen C2750467, MONDO:0013197, OMIM 613251.
Hypertrophic cardiomyopathy 1 (CMH1). Also called: Familial hypertrophic cardiomyopathy 1; MYH7-Related Familial Hypertrophic Cardiomyopathy. Identifiers: MedGen C3495498, MONDO:0008647, OMIM 192600.
Sick sinus syndrome 3, susceptibility to (SSS3). Identifiers: Orphanet 166282, MedGen C3279791, MONDO:0013568, OMIM 614090.
Atrial septal defect 3 (ASD3). Identifiers: Orphanet 1478, MedGen C3279790, MONDO:0013567, OMIM 614089.
Dilated cardiomyopathy 1EE (CMD1EE). Identifiers: Orphanet 154, MedGen C2750466, MONDO:0013198, OMIM 613252.
Cardiovascular phenotype. Identifiers: MedGen CN230736.

Allele frequency attached by ClinVar (database versions not stated): gnomAD 0.00001; gnomAD exomes 0.00001 and 0.00002; TOPMed 0.00001.
gnomAD v4.1: 26 of 1,613,982 alleles (0.0016%); highest among the groups gnomAD compares: East Asian, 0.0067%; no homozygotes.

Submissions (4):

GeneDx
Classification: Uncertain significance. Last evaluated: 2026-02-11. Review status: criteria provided, single submitter. Criteria: GeneDx Variant Classification Process June 2021. Collection method: clinical testing. Allele origin: germline. Affected: yes.
Comment: Reported as c.2751 C>T due to the use of alternative nomenclature, in an individual in a congenital heart defect cohort; however, specific clinical information was not provided (PMID: 20656787); Not observed at a significant frequency in large population cohorts (gnomAD); In silico analysis supports that this missense variant has a deleterious effect on protein structure/function; In silico analysis supports a deleterious effect on splicing; This variant is associated with the following publications: (PMID: 20656787)

Labcorp Genetics (formerly Invitae), Labcorp
Classification: Uncertain significance for Hypertrophic cardiomyopathy 14. Last evaluated: 2025-09-27. Review status: criteria provided, single submitter. Criteria: Invitae Variant Classification Sherloc (09022015). Collection method: clinical testing. Allele origin: germline.
Comment: This sequence change replaces alanine, which is neutral and non-polar, with valine, which is neutral and non-polar, at codon 895 of the MYH6 protein (p.Ala895Val). This variant is present in population databases (no rsID available, gnomAD 0.005%). This missense change has been observed in individual(s) with congenital heart defects (PMID: 20656787). ClinVar contains an entry for this variant (Variation ID: 1200462). An algorithm developed to predict the effect of missense changes on protein structure and function (PolyPhen-2) suggests that this variant is likely to be tolerated. Algorithms developed to predict the effect of sequence changes on RNA splicing suggest that this variant may disrupt the consensus splice site. In summary, the available evidence is currently insufficient to determine the role of this variant in disease. Therefore, it has been classified as a Variant of Uncertain Significance.

Ambry Genetics
Classification: Uncertain significance for Cardiovascular phenotype. Last evaluated: 2025-08-25. Review status: criteria provided, single submitter. Criteria: Ambry Variant Classification Scheme 2023. Collection method: clinical testing. Allele origin: germline.
Comment: The p.A895V variant (also known as c.2684C>T), located in coding exon 19 of the MYH6 gene, results from a C to T substitution at nucleotide position 2684. The alanine at codon 895 is replaced by valine, an amino acid with similar properties. This alteration has been reported once in a congenital heart disease cohort (Granados-Riveron JT et al. Hum. Mol. Genet., 2010 Oct;19:4007-16). This amino acid position is well conserved in available vertebrate species. In addition, the in silico prediction for this alteration is inconclusive. Since supporting evidence is limited at this time, the clinical significance of this alteration remains unclear.

Fulgent Genetics
Classification: Uncertain significance for Hypertrophic cardiomyopathy 1; Hypertrophic cardiomyopathy 14; Dilated cardiomyopathy 1EE; Atrial septal defect 3; Sick sinus syndrome 3, susceptibility to. Last evaluated: 2021-09-14. Review status: criteria provided, single submitter. Criteria: ACMG Guidelines, 2015. Collection method: clinical testing. Allele origin: unknown.

Literature cited by the submitters: PubMed 20656787 (cited by Labcorp Genetics (formerly Invitae), Labcorp and Ambry Genetics).

NM_002471.4(MYH6):c.2684C>T (p.Ala895Val)

Gene: MYH6 (myosin heavy chain 6; minus strand). Cytogenetic location: 14q11.2.
Variant type: single nucleotide variant.
Coding change: c.2684C>T on transcript NM_002471.4 (MANE Select); coding-DNA position 2684, C replaced by T.
Protein change: p.Ala895Val; replaces alanine 895 with valine.
Molecular consequence: missense variant.
Genome position (GRCh38, 1-based): chr14:23,394,069, G>A on the plus strand (C>T on the coding strand, the complement: MYH6 is on the minus strand). VCF-style: chr14-23394069-G-A. GRCh37 (hg19) VCF-style: chr14-23863278-G-A.
Other names: short protein forms A895V.
Identifiers: ClinVar variation 1200462 (VCV001200462.16), dbSNP rs1372933415, ClinGen allele CA389013628.